The following is an entry in ClinVar:

ClinVar aggregate classification (germline): Pathogenic (1 of 4 stars; one submission).

Conditions:
Neuropathy, hereditary sensory and autonomic, type 2A (HSAN2A). Also called: ACROOSTEOLYSIS, GIACCAI TYPE; ACROOSTEOLYSIS, NEUROGENIC; MORVAN DISEASE; NEUROPATHY, CONGENITAL SENSORY; NEUROPATHY, HEREDITARY SENSORY RADICULAR, AUTOSOMAL RECESSIVE; NEUROPATHY, HEREDITARY SENSORY, TYPE IIA. Identifiers: Orphanet 970, MedGen C2752089, MONDO:0024309, OMIM 201300.
Pseudohypoaldosteronism type 2C (PHA2C). Also called: Pseudohypoaldosteronism Type IIC. Identifiers: Orphanet 757, Orphanet 88940, MedGen C1840391, MONDO:0013778, OMIM 614492.

Submission:

Labcorp Genetics (formerly Invitae), Labcorp
Classification: Pathogenic for Neuropathy, hereditary sensory and autonomic, type 2A; Pseudohypoaldosteronism type 2C. Last evaluated: 2022-10-10. Review status: criteria provided, single submitter. Criteria: Invitae Variant Classification Sherloc (09022015). Collection method: clinical testing. Allele origin: germline.
Comment: This variant is not present in population databases (gnomAD no frequency). This sequence change creates a premature translational stop signal (p.Gln1179*) in the WNK1 gene. It is expected to result in an absent or disrupted protein product. Loss-of-function variants in WNK1 are known to be pathogenic (PMID: 22910560). This variant has not been reported in the literature in individuals affected with WNK1-related conditions. For these reasons, this variant has been classified as Pathogenic. ClinVar contains an entry for this variant (Variation ID: 1452138).

Literature cited by the submitters: PubMed 22910560.

NM_213655.5(WNK1):c.3535C>T (p.Gln1179Ter)

Gene: WNK1 (WNK lysine deficient protein kinase 1; plus strand). Cytogenetic location: 12p13.33.
Variant type: single nucleotide variant.
Coding change: c.3535C>T on transcript NM_213655.5 (MANE Plus Clinical); coding-DNA position 3535, C replaced by T.
Protein change: p.Gln1179Ter; replaces glutamine 1179 with a stop codon.
Molecular consequence: nonsense. On other transcripts: intron variant (2).
Genome position (GRCh38, 1-based): chr12:869,006, C>T. VCF-style: chr12-869006-C-T. GRCh37 (hg19) VCF-style: chr12-978172-C-T.
Other names: c.3280C>T, p.Gln1094Ter (NM_001184985.2); c.2140-2259C>T (NM_018979.4, NM_014823.3); short protein forms Q1179*, Q1094*.
Identifiers: ClinVar variation 1452138 (VCV001452138.6), dbSNP rs1951918264, ClinGen allele CA383342306.
Genomic context (GRCh38, chr12:869,006, plus strand): 5'-GCTGCACCTTTTGGCTCTGACGTCTCAATGCCCTTTATCCATCTGCCTCAGACAGTGTTA[C>T]AAGAATCCCCACTTTTCTTCTGTTTCCCCCAAGGAACCACATCTCAGCAGGTCTTAACTG-3'